The following is an entry in ClinVar:

ClinVar aggregate classification (germline): Conflicting classifications of pathogenicity. Review status: criteria provided, conflicting classifications (1 of 4 stars). 2 submissions from 2 submitters: Uncertain significance (1); Likely benign (1). Last evaluated 2024-05-30.

Allele frequency attached by ClinVar (database versions not stated): gnomAD 0.00002; TOPMed 0.00002.

Submissions (2):

GeneDx
Classification: Uncertain significance. Last evaluated: 2024-05-30. Review status: criteria provided, single submitter. Criteria: GeneDx Variant Classification Process June 2021. Collection method: clinical testing. Allele origin: germline. Affected: yes.
Comment: Not observed at significant frequency in large population cohorts (gnomAD); In silico analysis indicates that this missense variant does not alter protein structure/function; Has not been previously published as pathogenic or benign to our knowledge

Labcorp Genetics (formerly Invitae), Labcorp
Classification: Likely benign. Last evaluated: 2023-10-13. Review status: criteria provided, single submitter. Criteria: Invitae Variant Classification Sherloc (09022015). Collection method: clinical testing. Allele origin: germline.

NM_032119.4(ADGRV1):c.4139G>A (p.Ser1380Asn)

Gene: ADGRV1 (adhesion G protein-coupled receptor V1; plus strand). Cytogenetic location: 5q14.3.
Variant type: single nucleotide variant.
Coding change: c.4139G>A on transcript NM_032119.4 (MANE Select); coding-DNA position 4139, G replaced by A.
Protein change: p.Ser1380Asn; replaces serine 1380 with asparagine.
Molecular consequence: missense variant. On other transcripts: non-coding transcript variant (1).
Genome position (GRCh38, 1-based): chr5:90,653,713, G>A. VCF-style: chr5-90653713-G-A. GRCh37 (hg19) VCF-style: chr5-89949530-G-A.
Other names: c.4139G>A (NM_032119.3); short protein forms S1380N.
Identifiers: ClinVar variation 2804415 (VCV002804415.4), dbSNP rs1193645872, ClinGen allele CA360401548.